The following is an entry in ClinVar:

NM_004260.4(RECQL4):c.139A>T (p.Thr47Ser)

Genes: RECQL4 (RecQ like helicase 4; minus strand), LOC130001411 (ATAC-STARR-seq lymphoblastoid silent region 19699; plus strand). Cytogenetic location: 8q24.3.
Variant type: single nucleotide variant.
Coding change: c.139A>T on transcript NM_004260.4 (MANE Select); coding-DNA position 139, A replaced by T.
Protein change: p.Thr47Ser; replaces threonine 47 with serine.
Molecular consequence: missense variant.
Genome position (GRCh38, 1-based): chr8:144,517,488, T>A on the plus strand (A>T on the coding strand, the complement: RECQL4 is on the minus strand). VCF-style: chr8-144517488-T-A. GRCh37 (hg19) VCF-style: chr8-145742872-T-A.
Other names: c.139A>T (NM_004260.3); short protein forms T47S.
Identifiers: ClinVar variation 1052510 (VCV001052510.4), dbSNP rs779041769, ClinGen allele CA4949474.
Genomic context (GRCh38, chr8:144,517,488, plus strand): 5'-CGGGGAGCGACTCGGAGCTGCGGAGCCCGCCGCCGGCCTGGCCCGTGGTACGCTTCAGAG[T>A]GCGGTATTCCCGGTAGAGCGCTGCGTGGGCGAGCGGGAGGCGGGGTCAGGGTGGGGCCTG-3'
Protein context (NP_004251.4, residues 37-57): ETRALYREYR[Thr47Ser]LKRTTGQAGG

ClinVar aggregate classification (germline): Uncertain significance. Review status: criteria provided, multiple submitters, no conflicts (2 of 4 stars). 2 submissions from 2 submitters: Uncertain significance (2). Last evaluated 2025-05-21.

Conditions:
Inborn genetic diseases. Identifiers: MedGen C0950123, MeSH D030342.
Baller-Gerold syndrome (BGS). Also called: CRANIOSYNOSTOSIS WITH RADIAL DEFECTS. Identifiers: Orphanet 1225, MedGen C0265308, MONDO:0009039, OMIM 218600.

Allele frequency attached by ClinVar (database versions not stated): ExAC 0.00001.
gnomAD v4.1: 11 of 1,597,424 alleles (0.00069%); highest among the groups gnomAD compares: Non-Finnish European, 0.00094%; no homozygotes.

Submissions (2):

Ambry Genetics
Classification: Uncertain significance for Inborn genetic diseases. Last evaluated: 2025-05-21. Review status: criteria provided, single submitter. Criteria: Ambry Variant Classification Scheme 2023. Collection method: clinical testing. Allele origin: germline.
Comment: The p.T47S variant (also known as c.139A>T), located in coding exon 3 of the RECQL4 gene, results from an A to T substitution at nucleotide position 139. The threonine at codon 47 is replaced by serine, an amino acid with similar properties. This amino acid position is conserved. In addition, this alteration is predicted to be tolerated by in silico analysis. Based on the available evidence, the clinical significance of this variant remains unclear.

Labcorp Genetics (formerly Invitae), Labcorp
Classification: Uncertain significance for Baller-Gerold syndrome. Last evaluated: 2023-04-27. Review status: criteria provided, single submitter. Criteria: Invitae Variant Classification Sherloc (09022015). Collection method: clinical testing. Allele origin: germline.
Comment: In summary, the available evidence is currently insufficient to determine the role of this variant in disease. Therefore, it has been classified as a Variant of Uncertain Significance. Experimental studies and prediction algorithms are not available or were not evaluated, and the functional significance of this variant is currently unknown. ClinVar contains an entry for this variant (Variation ID: 1052510). This variant has not been reported in the literature in individuals affected with RECQL4-related conditions. This variant is present in population databases (rs779041769, gnomAD 0.001%). This sequence change replaces threonine, which is neutral and polar, with serine, which is neutral and polar, at codon 47 of the RECQL4 protein (p.Thr47Ser).